The following is an entry in ClinVar:

ClinVar aggregate classification (germline): Uncertain significance. Review status: criteria provided, multiple submitters, no conflicts (2 of 4 stars). 5 submissions from 5 submitters: Uncertain significance (5). Last evaluated 2025-09-23.

Conditions:
Familial thoracic aortic aneurysm and aortic dissection (TAAD). Also called: Thoracic aortic aneurysms and dissections. Identifiers: Orphanet 91387, MedGen C4707243, MONDO:0019625.
Aortic aneurysm, familial thoracic 4 (AAT4). Also called: AORTIC ANEURYSM/AORTIC DISSECTION AND PATENT DUCTUS ARTERIOSUS. Identifiers: MedGen C1851504, MONDO:0007568, OMIM 132900.
Visceral myopathy 2. Identifiers: MedGen C5543466, MONDO:0859157, OMIM 619350.
Megacystis-microcolon-intestinal hypoperistalsis syndrome 2. Identifiers: MedGen C5543476, MONDO:0025708, OMIM 619351.

Allele frequency attached by ClinVar (database versions not stated): gnomAD 0.00001; TOPMed 0.00001; gnomAD exomes 0.00002.

Submissions (5):

Labcorp Genetics (formerly Invitae), Labcorp
Classification: Uncertain significance for Aortic aneurysm, familial thoracic 4. Last evaluated: 2025-09-23. Review status: criteria provided, single submitter. Criteria: Invitae Variant Classification Sherloc (09022015). Collection method: clinical testing. Allele origin: germline.
Comment: This sequence change replaces arginine, which is basic and polar, with cysteine, which is neutral and slightly polar, at codon 1371 of the MYH11 protein (p.Arg1371Cys). This variant is present in population databases (rs769227102, gnomAD 0.008%). This variant has not been reported in the literature in individuals affected with MYH11-related conditions. ClinVar contains an entry for this variant (Variation ID: 1219769). Invitae Evidence Modeling of protein sequence and biophysical properties (such as structural, functional, and spatial information, amino acid conservation, physicochemical variation, residue mobility, and thermodynamic stability) has been performed for this missense variant. However, the output from this modeling did not meet the statistical confidence thresholds required to predict the impact of this variant on MYH11 protein function. In summary, the available evidence is currently insufficient to determine the role of this variant in disease. Therefore, it has been classified as a Variant of Uncertain Significance.

GeneDx
Classification: Uncertain significance. Last evaluated: 2024-06-27. Review status: criteria provided, single submitter. Criteria: GeneDx Variant Classification Process June 2021. Collection method: clinical testing. Allele origin: germline. Affected: yes.
Comment: Has not been previously published as pathogenic or benign to our knowledge; In silico analysis supports that this missense variant has a deleterious effect on protein structure/function

Color Diagnostics, LLC DBA Color Health
Classification: Uncertain significance for Familial thoracic aortic aneurysm and aortic dissection. Last evaluated: 2024-06-26. Review status: criteria provided, single submitter. Criteria: ACMG Guidelines, 2015. Collection method: clinical testing. Allele origin: germline.
Comment: This missense variant replaces arginine with cysteine at codon 1371 of the MYH11 protein. Computational prediction tools indicate that this variant has a deleterious impact on protein structure and function. To our knowledge, functional studies have not been reported for this variant. This variant has not been reported in individuals affected with MYH11-related disorders in the literature. This variant has been identified in 11/250904 chromosomes in the general population by the Genome Aggregation Database (gnomAD). The available evidence is insufficient to determine the role of this variant in disease conclusively. Therefore, this variant is classified as a Variant of Uncertain Significance.

Fulgent Genetics
Classification: Uncertain significance for Aortic aneurysm, familial thoracic 4; Visceral myopathy 2; Megacystis-microcolon-intestinal hypoperistalsis syndrome 2. Last evaluated: 2022-05-17. Review status: criteria provided, single submitter. Criteria: ACMG Guidelines, 2015. Collection method: clinical testing. Allele origin: unknown.

CHEO Genetics Diagnostic Laboratory, Children's Hospital of Eastern Ontario
Classification: Uncertain significance for Familial thoracic aortic aneurysm and aortic dissection. Last evaluated: 2022-03-31. Review status: criteria provided, single submitter. Criteria: ACMG Guidelines, 2015. Collection method: clinical testing. Allele origin: germline.

NM_002474.3(MYH11):c.4090C>T (p.Arg1364Cys)

Genes: MYH11 (myosin heavy chain 11; minus strand), NDE1 (nudE neurodevelopment protein 1; plus strand). Cytogenetic location: 16p13.11.
Variant type: single nucleotide variant.
Coding change: c.4090C>T on transcript NM_002474.3 (MANE Select); coding-DNA position 4090, C replaced by T.
Protein change: p.Arg1364Cys; replaces arginine 1364 with cysteine.
Molecular consequence: missense variant. On other transcripts: 3 prime UTR variant (2).
Genome position (GRCh38, 1-based): chr16:15,724,673, G>A on the plus strand (C>T on the coding strand, the complement: MYH11 is on the minus strand). VCF-style: chr16-15724673-G-A. GRCh37 (hg19) VCF-style: chr16-15818530-G-A.
Other names: c.4111C>T, p.Arg1371Cys (NM_001040113.2, NM_001040114.2); c.4090C>T, p.Arg1364Cys (NM_022844.3); c.*422G>A (NM_001143979.2, NM_017668.3); short protein forms R1364C, R1371C.
Identifiers: ClinVar variation 1219769 (VCV001219769.15), dbSNP rs769227102, ClinGen allele CA7921788.